The following is an entry in ClinVar:

ClinVar aggregate classification (germline): Uncertain significance. Review status: criteria provided, multiple submitters, no conflicts (2 of 4 stars). 2 submissions from 2 submitters: Uncertain significance (2). Last evaluated 2025-07-16.

Conditions:
Charcot-Marie-Tooth disease. Also called: Charcot-Marie-Tooth Hereditary Neuropathy; Charcot-Marie-Tooth Neuropathy. Identifiers: Orphanet 166, MedGen C0007959, MONDO:0015626.
Charcot-Marie-Tooth disease type 2. Also called: Charcot-Marie-Tooth type 2. Identifiers: Orphanet 64746, MedGen C0270914, MONDO:0018993.

Allele frequency attached by ClinVar (database versions not stated): gnomAD 0.00001; gnomAD exomes 0.00001 and below 0.00001; TOPMed 0.00001.
gnomAD v4.1: 5 of 1,614,100 alleles (0.00031%); highest among the groups gnomAD compares: Admixed American, 0.0083%; no homozygotes.

Submissions (2):

Labcorp Genetics (formerly Invitae), Labcorp
Classification: Uncertain significance for Charcot-Marie-Tooth disease type 2. Last evaluated: 2025-07-16. Review status: criteria provided, single submitter. Criteria: Invitae Variant Classification Sherloc (09022015). Collection method: clinical testing. Allele origin: germline.
Comment: This sequence change replaces lysine, which is basic and polar, with glutamic acid, which is acidic and polar, at codon 316 of the MFN2 protein (p.Lys316Glu). This variant is present in population databases (no rsID available, gnomAD 0.003%). This missense change has been observed in individual(s) with MFN2-related conditions (PMID: 32376792). ClinVar contains an entry for this variant (Variation ID: 917365). Invitae Evidence Modeling of protein sequence and biophysical properties (such as structural, functional, and spatial information, amino acid conservation, physicochemical variation, residue mobility, and thermodynamic stability) has been performed for this missense variant. However, the output from this modeling did not meet the statistical confidence thresholds required to predict the impact of this variant on MFN2 protein function. In summary, the available evidence is currently insufficient to determine the role of this variant in disease. Therefore, it has been classified as a Variant of Uncertain Significance.

Molecular Genetics Laboratory, London Health Sciences Centre
Classification: Uncertain significance for Charcot-Marie-Tooth disease. Review status: criteria provided, single submitter. Criteria: ACMG Guidelines, 2015. Collection method: clinical testing. Allele origin: germline. Affected: yes.

Literature cited by the submitters: PubMed 32376792 (cited by Labcorp Genetics (formerly Invitae), Labcorp).

NM_014874.4(MFN2):c.946A>G (p.Lys316Glu)

Gene: MFN2 (mitofusin 2; plus strand). Cytogenetic location: 1p36.22.
Variant type: single nucleotide variant.
Coding change: c.946A>G on transcript NM_014874.4 (MANE Select); coding-DNA position 946, A replaced by G.
Protein change: p.Lys316Glu; replaces lysine 316 with glutamic acid.
Molecular consequence: missense variant.
Genome position (GRCh38, 1-based): chr1:12,001,530, A>G. VCF-style: chr1-12001530-A-G. GRCh37 (hg19) VCF-style: chr1-12061587-A-G.
Other names: c.946A>G, p.Lys316Glu (NM_001127660.2); short protein forms K316E.
Identifiers: ClinVar variation 917365 (VCV000917365.5), dbSNP rs1424551887, ClinGen allele CA338441968.